The following is an entry in ClinVar:

ClinVar aggregate classification (germline): Uncertain significance (1 of 4 stars; one submission).

gnomAD v4.1: 75 of 1,613,998 alleles (0.0046%); highest among the groups gnomAD compares: Non-Finnish European, 0.0055%; no homozygotes.

Submission:

Labcorp Genetics (formerly Invitae), Labcorp
Classification: Uncertain significance. Last evaluated: 2023-04-20. Review status: criteria provided, single submitter. Criteria: Invitae Variant Classification Sherloc (09022015). Collection method: clinical testing. Allele origin: germline.
Comment: This variant has not been reported in the literature in individuals affected with FAT2-related conditions. In summary, the available evidence is currently insufficient to determine the role of this variant in disease. Therefore, it has been classified as a Variant of Uncertain Significance. Advanced modeling of protein sequence and biophysical properties (such as structural, functional, and spatial information, amino acid conservation, physicochemical variation, residue mobility, and thermodynamic stability) performed at Invitae indicates that this missense variant is not expected to disrupt FAT2 protein function. This variant is present in population databases (rs137947267, gnomAD 0.008%). This sequence change replaces arginine, which is basic and polar, with glutamine, which is neutral and polar, at codon 973 of the FAT2 protein (p.Arg973Gln).

NM_001447.3(FAT2):c.2918G>A (p.Arg973Gln)

Gene: FAT2 (FAT atypical cadherin 2; minus strand). Cytogenetic location: 5q33.1.
Variant type: single nucleotide variant.
Coding change: c.2918G>A on transcript NM_001447.3 (MANE Select); coding-DNA position 2918, G replaced by A.
Protein change: p.Arg973Gln; replaces arginine 973 with glutamine.
Molecular consequence: missense variant.
Genome position (GRCh38, 1-based): chr5:151,566,014, C>T on the plus strand (G>A on the coding strand, the complement: FAT2 is on the minus strand). VCF-style: chr5-151566014-C-T. GRCh37 (hg19) VCF-style: chr5-150945575-C-T.
Other names: short protein forms R973Q.
Identifiers: ClinVar variation 2717866 (VCV002717866.3), dbSNP rs137947267, ClinGen allele CA3521965.